The following is an entry in ClinVar:

ClinVar aggregate classification (germline): Uncertain significance (1 of 4 stars; one submission).

Conditions:
Hereditary cancer-predisposing syndrome. Also called: Hereditary neoplastic syndrome; Tumor predisposition; Hereditary Cancer Syndrome; Neoplastic Syndromes, Hereditary. Identifiers: Orphanet 140162, MedGen C0027672, MeSH D009386, MONDO:0015356.

Allele frequency attached by ClinVar (database versions not stated): gnomAD exomes below 0.00001.
gnomAD v4.1: 1 of 1,612,440 alleles (0.000062%); highest among the groups gnomAD compares: Non-Finnish European, 0.000085%; no homozygotes.

Submission:

Ambry Genetics
Classification: Uncertain significance for Hereditary cancer-predisposing syndrome. Last evaluated: 2023-07-21. Review status: criteria provided, single submitter. Criteria: Ambry Variant Classification Scheme 2023. Collection method: clinical testing. Allele origin: germline.
Comment: The p.P203L variant (also known as c.608C>T), located in coding exon 6 of the NBN gene, results from a C to T substitution at nucleotide position 608. The proline at codon 203 is replaced by leucine, an amino acid with similar properties. This amino acid position is highly conserved in available vertebrate species. In addition, the in silico prediction for this alteration is inconclusive. Since supporting evidence is limited at this time, the clinical significance of this alteration remains unclear.

NM_002485.5(NBN):c.608C>T (p.Pro203Leu)

Gene: NBN (nibrin; minus strand). Cytogenetic location: 8q21.3.
Variant type: single nucleotide variant.
Coding change: c.608C>T on transcript NM_002485.5 (MANE Select); coding-DNA position 608, C replaced by T.
Protein change: p.Pro203Leu; replaces proline 203 with leucine.
Molecular consequence: missense variant.
Genome position (GRCh38, 1-based): chr8:89,971,267, G>A on the plus strand (C>T on the coding strand, the complement: NBN is on the minus strand). VCF-style: chr8-89971267-G-A. GRCh37 (hg19) VCF-style: chr8-90983495-G-A.
Other names: c.362C>T, p.Pro121Leu (NM_001024688.3); short protein forms P121L, P203L.
Identifiers: ClinVar variation 2586810 (VCV002586810.2), dbSNP rs2129839289, ClinGen allele CA371659293.